The following is an entry in ClinVar:

ClinVar aggregate classification (germline): Uncertain significance. Review status: criteria provided, multiple submitters, no conflicts (2 of 4 stars). 3 submissions from 3 submitters: Uncertain significance (3). Last evaluated 2025-12-27.

Conditions:
Inborn genetic diseases. Identifiers: MedGen C0950123, MeSH D030342.

Allele frequency attached by ClinVar (database versions not stated): ESP Exome Variant Server 0.00008; gnomAD 0.00006.
gnomAD v4.1: 52 of 1,614,066 alleles (0.0032%); highest among the groups gnomAD compares: Admixed American, 0.0083%; no homozygotes.

Submissions (3):

Labcorp Genetics (formerly Invitae), Labcorp
Classification: Uncertain significance. Last evaluated: 2025-12-27. Review status: criteria provided, single submitter. Criteria: Invitae Variant Classification Sherloc (09022015). Collection method: clinical testing. Allele origin: germline.
Comment: This sequence change replaces aspartic acid, which is acidic and polar, with asparagine, which is neutral and polar, at codon 1340 of the MYH3 protein (p.Asp1340Asn). This variant is present in population databases (rs375989909, gnomAD 0.008%). This variant has not been reported in the literature in individuals affected with MYH3-related conditions. ClinVar contains an entry for this variant (Variation ID: 2042508). Invitae Evidence Modeling of protein sequence and biophysical properties (such as structural, functional, and spatial information, amino acid conservation, physicochemical variation, residue mobility, and thermodynamic stability) indicates that this missense variant is not expected to disrupt MYH3 protein function with a negative predictive value of 95%. In summary, the available evidence is currently insufficient to determine the role of this variant in disease. Therefore, it has been classified as a Variant of Uncertain Significance.

Ambry Genetics
Classification: Uncertain significance for Inborn genetic diseases. Last evaluated: 2023-05-31. Review status: criteria provided, single submitter. Criteria: Ambry Variant Classification Scheme 2023. Collection method: clinical testing. Allele origin: germline.

CeGaT Center for Human Genetics Tuebingen
Classification: Uncertain significance. Last evaluated: 2023-01-01. Review status: criteria provided, single submitter. Criteria: CeGaT Center For Human Genetics Tuebingen Variant Classification Criteria Version 2. Collection method: clinical testing. Allele origin: germline. Affected: yes. Observed: 1 variant allele.
Comment: MYH3: PP3

NM_002470.4(MYH3):c.4018G>A (p.Asp1340Asn)

Gene: MYH3 (myosin heavy chain 3; minus strand). Cytogenetic location: 17p13.1.
Variant type: single nucleotide variant.
Coding change: c.4018G>A on transcript NM_002470.4 (MANE Select); coding-DNA position 4018, G replaced by A.
Protein change: p.Asp1340Asn; replaces aspartic acid 1340 with asparagine.
Molecular consequence: missense variant.
Genome position (GRCh38, 1-based): chr17:10,635,521, C>T on the plus strand (G>A on the coding strand, the complement: MYH3 is on the minus strand). VCF-style: chr17-10635521-C-T. GRCh37 (hg19) VCF-style: chr17-10538838-C-T.
Other names: c.4018G>A (NM_002470.3); short protein forms D1340N.
Identifiers: ClinVar variation 2042508 (VCV002042508.30), dbSNP rs375989909, ClinGen allele CA8392323.